The following is an entry in ClinVar:

NM_144651.5(PXDNL):c.1330G>A (p.Gly444Ser)

Gene: PXDNL (peroxidasin like; minus strand). Cytogenetic location: 8q11.22.
Variant type: single nucleotide variant.
Coding change: c.1330G>A on transcript NM_144651.5 (MANE Select); coding-DNA position 1330, G replaced by A.
Protein change: p.Gly444Ser; replaces glycine 444 with serine.
Molecular consequence: missense variant.
Genome position (GRCh38, 1-based): chr8:51,449,038, C>T on the plus strand (G>A on the coding strand, the complement: PXDNL is on the minus strand). VCF-style: chr8-51449038-C-T. GRCh37 (hg19) VCF-style: chr8-52361598-C-T.
Other names: short protein forms G444S.
Identifiers: ClinVar variation 3039598 (VCV003039598.2), dbSNP rs375327076, ClinGen allele CA4745383.

ClinVar aggregate classification (germline): Benign (0 of 4 stars; one submission).

Conditions:
PXDNL-related disorder. Also called: PXDNL-related condition.

Allele frequency attached by ClinVar (database versions not stated): TOPMed 0.00008; gnomAD 0.00042; 1000 Genomes Project 0.00160; ExAC 0.00548.
gnomAD v4.1: 1,106 of 1,551,832 alleles (0.071%); highest among the groups gnomAD compares: South Asian, 1.2%; 12 homozygotes.

Submission:

PreventionGenetics, part of Exact Sciences
Classification: Benign for PXDNL-related condition. Last evaluated: 2019-05-22. Review status: no assertion criteria provided. Collection method: clinical testing. Allele origin: germline.
Comment: This variant is classified as benign based on ACMG/AMP sequence variant interpretation guidelines (Richards et al. 2015 PMID: 25741868, with internal and published modifications).